The following is an entry in ClinVar:

NM_020937.4(FANCM):c.1072G>A (p.Glu358Lys)

Gene: FANCM (FA complementation group M; plus strand). Cytogenetic location: 14q21.2.
Variant type: single nucleotide variant.
Coding change: c.1072G>A on transcript NM_020937.4 (MANE Select); coding-DNA position 1072, G replaced by A.
Protein change: p.Glu358Lys; replaces glutamic acid 358 with lysine.
Molecular consequence: missense variant.
Genome position (GRCh38, 1-based): chr14:45,153,941, G>A. VCF-style: chr14-45153941-G-A. GRCh37 (hg19) VCF-style: chr14-45623144-G-A.
Other names: c.1072G>A (NM_020937.3); c.994G>A, p.Glu332Lys (NM_001308133.2); c.1072G>A, p.Glu358Lys (NM_001308134.2); short protein forms E332K, E358K.
Identifiers: ClinVar variation 1319689 (VCV001319689.9), dbSNP rs746643140, ClinGen allele CA7168930.
Genomic context (GRCh38, chr14:45,153,941, plus strand): 5'-TATTTCTCTGGTTAAATTTGACATATGCTGTTTTTCTAGGGAATACAACAAGGCATAATC[G>A]AGGGAGAGTTTGCTATTTGTATTAGTTTATATCATGGTTATGAATTATTGCAGCAAATGG-3'
Protein context (NP_065988.1, residues 348-368): NIVGIQQGII[Glu358Lys]GEFAICISLY

ClinVar aggregate classification (germline): Uncertain significance. Review status: criteria provided, multiple submitters, no conflicts (2 of 4 stars). 4 submissions from 4 submitters: Uncertain significance (4). Last evaluated 2024-04-03.

Conditions:
Fanconi anemia (FA). Also called: Fanconi's anemia. Identifiers: Orphanet 84, MedGen C0015625, MeSH D005199, MONDO:0019391.

Allele frequency attached by ClinVar (database versions not stated): ExAC 0.00001; gnomAD 0.00001; TOPMed 0.00001; gnomAD exomes 0.00002 and below 0.00001.
gnomAD v4.1: 32 of 1,608,944 alleles (0.002%); highest among the groups gnomAD compares: Non-Finnish European, 0.0025%; no homozygotes.

Submissions (4):

GeneDx
Classification: Uncertain significance. Last evaluated: 2024-04-03. Review status: criteria provided, single submitter. Criteria: GeneDx Variant Classification Process June 2021. Collection method: clinical testing. Allele origin: germline.
Comment: Not observed at significant frequency in large population cohorts (gnomAD); In silico analysis supports that this missense variant has a deleterious effect on protein structure/function; Observed in an individual with breast cancer (PMID: 33471991); This variant is associated with the following publications: (PMID: 33471991)

Labcorp Genetics (formerly Invitae), Labcorp
Classification: Uncertain significance for Fanconi anemia. Last evaluated: 2024-01-29. Review status: criteria provided, single submitter. Criteria: Invitae Variant Classification Sherloc (09022015). Collection method: clinical testing. Allele origin: germline.
Comment: This sequence change replaces glutamic acid, which is acidic and polar, with lysine, which is basic and polar, at codon 358 of the FANCM protein (p.Glu358Lys). This variant is present in population databases (rs746643140, gnomAD 0.0009%). This variant has not been reported in the literature in individuals affected with FANCM-related conditions. ClinVar contains an entry for this variant (Variation ID: 1319689). An algorithm developed to predict the effect of missense changes on protein structure and function (PolyPhen-2) suggests that this variant is likely to be disruptive. In summary, the available evidence is currently insufficient to determine the role of this variant in disease. Therefore, it has been classified as a Variant of Uncertain Significance.

Quest Diagnostics Nichols Institute San Juan Capistrano
Classification: Uncertain significance. Last evaluated: 2023-03-09. Review status: criteria provided, single submitter. Criteria: Quest Diagnostics criteria. Collection method: clinical testing. Allele origin: unknown.
Comment: The frequency of this variant in the general population, 0.000004 (1/251324 chromosomes), is uninformative in assessment of its pathogenicity. In a breast cancer association study, the variant was observed in a breast cancer case (see LOVD and PMID: 33471991 (2021)). Analysis of this variant using bioinformatics tools for the prediction of the effect of amino acid changes on protein structure and function yielded conflicting predictions that this variant is benign or damaging. Based on the available information, we are unable to determine the clinical significance of this variant.

Institute for Clinical Genetics, University Hospital TU Dresden, University Hospital TU Dresden
Classification: Uncertain significance. Last evaluated: 2021-11-03. Review status: criteria provided, single submitter. Criteria: ACMG Guidelines, 2015. Collection method: clinical testing. Allele origin: germline.

Literature cited by the submitters: PubMed 33471991 (cited by Quest Diagnostics Nichols Institute San Juan Capistrano).